The following is an entry in ClinVar:

NM_003998.4(NFKB1):c.2642del (p.Gly881fs)

Gene: NFKB1 (nuclear factor kappa B subunit 1; plus strand). Cytogenetic location: 4q24.
Variant type: Deletion.
Coding change: c.2642del on transcript NM_003998.4 (MANE Select); coding-DNA position 2642, one base deleted (G; older notation c.2642delG).
Protein change: p.Gly881fs; shifts the reading frame from glycine 881.
Molecular consequence: frameshift variant.
Genome position (GRCh38, 1-based): chr4:102,613,474, G deleted; the last of 3 consecutive G bases (chr4:102,613,472-102,613,474); deleting any one gives the same sequence. VCF-style (leftmost placement, unchanged base first): chr4-102613471-TG-T. GRCh37 (hg19) VCF-style: chr4-103534628-TG-T.
Other names: c.2639del, p.Gly880fs (NM_001165412.2, NM_001319226.2, NM_001382627.1); c.2642del, p.Gly881fs (NM_001382625.1, NM_001382626.1); c.2600del, p.Gly867fs (NM_001382628.1); short protein forms G881fs, G880fs, G867fs.
Identifiers: ClinVar variation 2756678 (VCV002756678.5), dbSNP rs2476607124, ClinGen allele CA2697546824.

ClinVar aggregate classification (germline): Pathogenic/Likely pathogenic. Review status: criteria provided, multiple submitters, no conflicts (2 of 4 stars). 2 submissions from 2 submitters: Pathogenic (1); Likely pathogenic (1). Last evaluated 2026-04-10.

Submissions (2):

Dasa
Classification: Likely pathogenic. Last evaluated: 2026-04-10. Review status: criteria provided, single submitter. Criteria: DASA Assertion Criteria. Collection method: clinical testing. Allele origin: germline.
Comment: NM_003998.4(NFKB1):c.2642del (p.Gly881Alafs*8) is a frameshift variant in NFKB1 predicted to alter the reading frame and introduce a premature termination codon and is predicted to result in an absent or altered protein product. Loss of function is an established disease mechanism for NFKB1-associated disorders. Also, this variant is rare in population databases. Based on the currently available evidence, this variant is classified as likely pathogenic.

Labcorp Genetics (formerly Invitae), Labcorp
Classification: Pathogenic. Last evaluated: 2023-08-30. Review status: criteria provided, single submitter. Criteria: Invitae Variant Classification Sherloc (09022015). Collection method: clinical testing. Allele origin: germline.
Comment: This sequence change creates a premature translational stop signal (p.Gly881Alafs*8) in the NFKB1 gene. It is expected to result in an absent or disrupted protein product. Loss-of-function variants in NFKB1 are known to be pathogenic (PMID: 26279205, 29477724). This variant is not present in population databases (gnomAD no frequency). This variant has not been reported in the literature in individuals affected with NFKB1-related conditions. For these reasons, this variant has been classified as Pathogenic.

Literature cited by the submitters: PubMed 26279205 (cited by Labcorp Genetics (formerly Invitae), Labcorp); PubMed 29477724 (cited by Labcorp Genetics (formerly Invitae), Labcorp).